The following is an entry in ClinVar:

NM_000497.4(CYP11B1):c.1350C>A (p.Cys450Ter)

Genes: CYP11B1 (cytochrome P450 family 11 subfamily B member 1; minus strand), LOC106799833 (CYP11B1 recombination region; plus strand). Cytogenetic location: 8q24.3.
Variant type: single nucleotide variant.
Coding change: c.1350C>A on transcript NM_000497.4 (MANE Select); coding-DNA position 1350, C replaced by A.
Protein change: p.Cys450Ter; replaces cysteine 450 with a stop codon.
Molecular consequence: nonsense. On other transcripts: intron variant (1).
Genome position (GRCh38, 1-based): chr8:142,875,005, G>T on the plus strand (C>A on the coding strand, the complement: CYP11B1 is on the minus strand). VCF-style: chr8-142875005-G-T. GRCh37 (hg19) VCF-style: chr8-143956421-G-T.
Other names: c.1200+229C>A (NM_001026213.1); short protein forms C450*.
Identifiers: ClinVar variation 2846976 (VCV002846976.3), dbSNP rs756646001, ClinGen allele CA372391429.
Genomic context (GRCh38, chr8:142,875,005, plus strand): 5'-GGGCCTGCTCACATGGTGCAGCAGCAGCAGCATCTCTGCCTCTGCCAGGCGCCGCCCAAG[G>T]CACTGGCGCATGCCAAAGCCAAAGGGCACGTGGTAGAAGTTCCTGCCGGAGCCCCTGATG-3'

ClinVar aggregate classification (germline): Pathogenic (1 of 4 stars; one submission).

Submission:

Labcorp Genetics (formerly Invitae), Labcorp
Classification: Pathogenic. Last evaluated: 2023-03-18. Review status: criteria provided, single submitter. Criteria: Invitae Variant Classification Sherloc (09022015). Collection method: clinical testing. Allele origin: germline.
Comment: This sequence change creates a premature translational stop signal (p.Cys450*) in the CYP11B1 gene. It is expected to result in an absent or disrupted protein product. Loss-of-function variants in CYP11B1 are known to be pathogenic (PMID: 8506298, 26476331). This variant is not present in population databases (gnomAD no frequency). This variant has not been reported in the literature in individuals affected with CYP11B1-related conditions. For these reasons, this variant has been classified as Pathogenic.

Literature cited by the submitters: PubMed 8506298; PubMed 26476331.